The following is an entry in ClinVar:

NM_006393.3(NEBL):c.715A>G (p.Met239Val)

Gene: NEBL (nebulette; minus strand). Cytogenetic location: 10p12.31.
Variant type: single nucleotide variant.
Coding change: c.715A>G on transcript NM_006393.3 (MANE Select); coding-DNA position 715, A replaced by G.
Protein change: p.Met239Val; replaces methionine 239 with valine.
Molecular consequence: missense variant. On other transcripts: intron variant (9).
Genome position (GRCh38, 1-based): chr10:20,859,796, T>C on the plus strand (A>G on the coding strand, the complement: NEBL is on the minus strand). VCF-style: chr10-20859796-T-C. GRCh37 (hg19) VCF-style: chr10-21148725-T-C.
Other names: c.250-46856A>G (NM_001377326.1, NM_001377327.1, NM_001377328.1); c.358-46856A>G (NM_213569.2, NM_001173484.2, NM_001377322.1); c.301-46856A>G (NM_001377324.1); c.292-46856A>G (NM_001377325.1); c.310-46856A>G (NM_001377323.1); short protein forms M239V.
Identifiers: ClinVar variation 454277 (VCV000454277.9), dbSNP rs1037792824, ClinGen allele CA204194402.

ClinVar aggregate classification (germline): Uncertain significance (1 of 4 stars; one submission).

Conditions:
Primary dilated cardiomyopathy (DCM). Also called: Dilated Cardiomyopathy. Identifiers: Orphanet 217604, MedGen C0007193, MeSH D002311, MONDO:0005021, HP:0001644. Inheritance: Various modes of inheritance.

Allele frequency attached by ClinVar (database versions not stated): gnomAD 0.00004 and 0.00003; gnomAD exomes below 0.00001; TOPMed 0.00002.
gnomAD v4.1: 10 of 1,580,072 alleles (0.00063%); highest among the groups gnomAD compares: African/African-American, 0.004%; no homozygotes.

Submission:

Labcorp Genetics (formerly Invitae), Labcorp
Classification: Uncertain significance for Primary dilated cardiomyopathy. Last evaluated: 2024-02-16. Review status: criteria provided, single submitter. Criteria: Invitae Variant Classification Sherloc (09022015). Collection method: clinical testing. Allele origin: germline.
Comment: This sequence change replaces methionine, which is neutral and non-polar, with valine, which is neutral and non-polar, at codon 239 of the NEBL protein (p.Met239Val). This variant is present in population databases (no rsID available, gnomAD 0.002%). This variant has not been reported in the literature in individuals affected with NEBL-related conditions. ClinVar contains an entry for this variant (Variation ID: 454277). An algorithm developed to predict the effect of missense changes on protein structure and function (PolyPhen-2) suggests that this variant is likely to be disruptive. In summary, the available evidence is currently insufficient to determine the role of this variant in disease. Therefore, it has been classified as a Variant of Uncertain Significance.